The following is an entry in ClinVar:

ClinVar aggregate classification (germline): Pathogenic (1 of 4 stars; one submission).

Conditions:
Bardet-Biedl syndrome (BBS). Identifiers: Orphanet 110, MedGen C0752166, MONDO:0015229.

Submission:

Labcorp Genetics (formerly Invitae), Labcorp
Classification: Pathogenic for Bardet-Biedl syndrome. Last evaluated: 2024-10-07. Review status: criteria provided, single submitter. Criteria: Invitae Variant Classification Sherloc (09022015). Collection method: clinical testing. Allele origin: germline.
Comment: This sequence change affects a donor splice site in intron 1 of the BBS10 gene. While this variant is not anticipated to result in nonsense mediated decay, it likely alters RNA splicing and results in a disrupted protein product. This variant is not present in population databases (gnomAD no frequency). Disruption of this splice site has been observed in individual(s) with Bardet-Biedl syndrome (PMID: 21344540). ClinVar contains an entry for this variant (Variation ID: 1451637). Variants that disrupt the consensus splice site are a relatively common cause of aberrant splicing (PMID: 17576681, 9536098). Algorithms developed to predict the effect of sequence changes on RNA splicing suggest that this variant may disrupt the consensus splice site. This variant disrupts a region of the BBS10 protein in which other variant(s) (p.Val707*) have been determined to be pathogenic (PMID: 20472660, 22773737, 25982971, 27486776). This suggests that this is a clinically significant region of the protein, and that variants that disrupt it are likely to be disease-causing. For these reasons, this variant has been classified as Pathogenic.

Literature cited by the submitters: PubMed 21344540; PubMed 17576681; PubMed 9536098; PubMed 20472660; PubMed 22773737; PubMed 25982971; PubMed 27486776.

NM_024685.4(BBS10):c.197+1G>A

Gene: BBS10 (Bardet-Biedl syndrome 10; minus strand). Cytogenetic location: 12q21.2.
Variant type: single nucleotide variant.
Coding change: c.197+1G>A on transcript NM_024685.4 (MANE Select); the canonical splice donor site of the intron after coding-DNA position 197, G replaced by A.
Molecular consequence: splice donor variant.
Genome position (GRCh38, 1-based): chr12:76,348,161, C>T on the plus strand (G>A on the coding strand, the complement: BBS10 is on the minus strand). VCF-style: chr12-76348161-C-T. GRCh37 (hg19) VCF-style: chr12-76741941-C-T.
Identifiers: ClinVar variation 1451637 (VCV001451637.6), dbSNP rs886042729, ClinGen allele CA385816045.